The following is an entry in ClinVar:

ClinVar aggregate classification (germline): Uncertain significance (1 of 4 stars; one submission).

Allele frequency attached by ClinVar (database versions not stated): gnomAD 0.00001; TOPMed 0.00001; ExAC 0.00003.
gnomAD v4.1: 42 of 1,614,160 alleles (0.0026%); highest among the groups gnomAD compares: South Asian, 0.02%; 1 homozygote.

Submission:

Labcorp Genetics (formerly Invitae), Labcorp
Classification: Uncertain significance. Last evaluated: 2025-04-29. Review status: criteria provided, single submitter. Criteria: Invitae Variant Classification Sherloc (09022015). Collection method: clinical testing. Allele origin: germline.
Comment: This sequence change replaces alanine, which is neutral and non-polar, with threonine, which is neutral and polar, at codon 414 of the ZBTB18 protein (p.Ala414Thr). This variant is present in population databases (rs754505660, gnomAD 0.01%). This variant has not been reported in the literature in individuals affected with ZBTB18-related conditions. ClinVar contains an entry for this variant (Variation ID: 2880912). Invitae Evidence Modeling of protein sequence and biophysical properties (such as structural, functional, and spatial information, amino acid conservation, physicochemical variation, residue mobility, and thermodynamic stability) indicates that this missense variant is not expected to disrupt ZBTB18 protein function with a negative predictive value of 95%. In summary, the available evidence is currently insufficient to determine the role of this variant in disease. Therefore, it has been classified as a Variant of Uncertain Significance.

NM_205768.3(ZBTB18):c.1240G>A (p.Ala414Thr)

Gene: ZBTB18 (zinc finger and BTB domain containing 18; plus strand). Cytogenetic location: 1q44.
Variant type: single nucleotide variant.
Coding change: c.1240G>A on transcript NM_205768.3 (MANE Select); coding-DNA position 1240, G replaced by A.
Protein change: p.Ala414Thr; replaces alanine 414 with threonine.
Molecular consequence: missense variant. On other transcripts: 3 prime UTR variant (1).
Genome position (GRCh38, 1-based): chr1:244,055,014, G>A. VCF-style: chr1-244055014-G-A. GRCh37 (hg19) VCF-style: chr1-244218316-G-A.
Other names: c.1213G>A, p.Ala405Thr (NM_001278196.2, NM_006352.5); c.*417G>A (NM_001421566.1); short protein forms A405T, A414T.
Identifiers: ClinVar variation 2880912 (VCV002880912.3), dbSNP rs754505660, ClinGen allele CA1484426.